The following is an entry in ClinVar:

ClinVar aggregate classification (germline): Uncertain significance (1 of 4 stars; one submission).

Submission:

GeneDx
Classification: Uncertain significance. Last evaluated: 2024-12-15. Review status: criteria provided, single submitter. Criteria: GeneDx Variant Classification Process June 2021. Collection method: clinical testing. Allele origin: germline. Affected: yes.
Comment: Not observed at significant frequency in large population cohorts (gnomAD); In-frame deletion of 4 amino acids in a non-repeat region; In silico analysis indicates that this variant does not alter protein structure/function; Has not been previously published as pathogenic or benign to our knowledge

NM_016120.4(RLIM):c.1413_1424del (p.Ser473_Ser476del)

Gene: RLIM (ring finger protein, LIM domain interacting; minus strand). Cytogenetic location: Xq13.2.
Variant type: Deletion.
Coding change: c.1413_1424del on transcript NM_016120.4 (MANE Select); coding-DNA positions 1413 to 1424, 12 bases deleted (AAGTTCCAGTTC).
Protein change: p.Ser473_Ser476del.
Molecular consequence: inframe deletion.
Genome position (GRCh38, 1-based): chrX:74,591,891-74,591,902, GAACTGGAACTT deleted on the plus strand (AAGTTCCAGTTC on the coding strand, the reverse complement: RLIM is on the minus strand); deleting any 12 consecutive bases within chrX:74,591,891-74,591,913 gives the same sequence; the c. name uses the placement nearest the transcript's 3' end. VCF-style (leftmost placement, unchanged base first): chrX-74591890-GGAACTGGAACTT-G. GRCh37 (hg19) VCF-style: chrX-73811725-GGAACTGGAACTT-G.
Other names: c.1413_1424del, p.Ser473_Ser476del (NM_183353.3).
Identifiers: ClinVar variation 1309893 (VCV001309893.3), dbSNP rs1403644166, ClinGen allele CA643005986.